The following is an entry in ClinVar:

NM_020401.4(NUP107):c.2049G>A (p.Ala683=)

Gene: NUP107 (nucleoporin 107; plus strand). Cytogenetic location: 12q15.
Variant type: single nucleotide variant.
Coding change: c.2049G>A on transcript NM_020401.4 (MANE Select); coding-DNA position 2049, G replaced by A.
Protein change: p.Ala683=; no amino-acid change (alanine 683 retained).
Molecular consequence: synonymous variant.
Genome position (GRCh38, 1-based): chr12:68,732,687, G>A. VCF-style: chr12-68732687-G-A. GRCh37 (hg19) VCF-style: chr12-69126467-G-A.
Other names: c.1962G>A, p.Ala654= (NM_001330192.2).
Identifiers: ClinVar variation 737882 (VCV000737882.16), dbSNP rs149594646, ClinGen allele CA6678019.

ClinVar aggregate classification (germline): Likely benign. Review status: criteria provided, multiple submitters, no conflicts (2 of 4 stars). 3 submissions from 3 submitters: Likely benign (2). 1 of the submissions does not count toward it. Last evaluated 2025-12-01.

Conditions:
NUP107-related disorder. Also called: NUP107-related condition.

Allele frequency attached by ClinVar (database versions not stated): TOPMed 0.00007; gnomAD 0.00013; ExAC 0.00016; 1000 Genomes Project 0.00060; 1000 Genomes Project 30x 0.00062.
gnomAD v4.1: 255 of 1,609,516 alleles (0.016%); highest among the groups gnomAD compares: Admixed American, 0.037%; no homozygotes.

Submissions (3):

CeGaT Center for Human Genetics Tuebingen
Classification: Likely benign. Last evaluated: 2025-12-01. Review status: criteria provided, single submitter. Criteria: CeGaT Center For Human Genetics Tuebingen Variant Classification Criteria Version 2. Collection method: clinical testing. Allele origin: germline. Affected: yes. Observed: 1 variant allele.
Comment: NUP107: BP4, BP7

Labcorp Genetics (formerly Invitae), Labcorp
Classification: Likely benign. Last evaluated: 2025-10-07. Review status: criteria provided, single submitter. Criteria: Invitae Variant Classification Sherloc (09022015). Collection method: clinical testing. Allele origin: germline.

PreventionGenetics, part of Exact Sciences
Classification: Likely benign for NUP107-related condition. Last evaluated: 2019-11-20. Review status: no assertion criteria provided. Collection method: clinical testing. Allele origin: germline. Not counted in ClinVar's aggregate classification.
Comment: This variant is classified as likely benign based on ACMG/AMP sequence variant interpretation guidelines (Richards et al. 2015 PMID: 25741868, with internal and published modifications).